The following is an entry in ClinVar:

NM_001134831.2(AHI1):c.1592A>G (p.Tyr531Cys)

Gene: AHI1 (Abelson helper integration site 1; minus strand). Cytogenetic location: 6q23.3.
Variant type: single nucleotide variant.
Coding change: c.1592A>G on transcript NM_001134831.2 (MANE Select); coding-DNA position 1592, A replaced by G.
Protein change: p.Tyr531Cys; replaces tyrosine 531 with cysteine.
Molecular consequence: missense variant.
Genome position (GRCh38, 1-based): chr6:135,448,324, T>C on the plus strand (A>G on the coding strand, the complement: AHI1 is on the minus strand). VCF-style: chr6-135448324-T-C. GRCh37 (hg19) VCF-style: chr6-135769462-T-C.
Other names: c.1592A>G, p.Tyr531Cys (NM_001134830.2, NM_001134832.2, NM_001350503.2 and 2 more transcripts); short protein forms Y531C.
Identifiers: ClinVar variation 4707897 (VCV004707897.1).

ClinVar aggregate classification (germline): Uncertain significance (1 of 4 stars; one submission).

Conditions:
Joubert syndrome. Also called: CEREBELLOPARENCHYMAL DISORDER IV; JOUBERT-BOLTSHAUSER SYNDROME; Familial aplasia of the vermis. Identifiers: Orphanet 475, MedGen C5979921, MONDO:0018772.

Submission:

Labcorp Genetics (formerly Invitae), Labcorp
Classification: Uncertain significance for Joubert syndrome. Last evaluated: 2025-07-16. Review status: criteria provided, single submitter. Criteria: Invitae Variant Classification Sherloc (09022015). Collection method: clinical testing. Allele origin: germline.
Comment: This sequence change replaces tyrosine, which is neutral and polar, with cysteine, which is neutral and slightly polar, at codon 531 of the AHI1 protein (p.Tyr531Cys). This variant is not present in population databases (gnomAD no frequency). This variant has not been reported in the literature in individuals affected with AHI1-related conditions. Invitae Evidence Modeling of protein sequence and biophysical properties (such as structural, functional, and spatial information, amino acid conservation, physicochemical variation, residue mobility, and thermodynamic stability) indicates that this missense variant is expected to disrupt AHI1 protein function with a positive predictive value of 80%. In summary, the available evidence is currently insufficient to determine the role of this variant in disease. Therefore, it has been classified as a Variant of Uncertain Significance.